The following is an entry in ClinVar:

NM_003047.5(SLC9A1):c.1895G>A (p.Arg632His)

Gene: SLC9A1 (solute carrier family 9 member A1; minus strand). Cytogenetic location: 1p36.11.
Variant type: single nucleotide variant.
Coding change: c.1895G>A on transcript NM_003047.5 (MANE Select); coding-DNA position 1895, G replaced by A.
Protein change: p.Arg632His; replaces arginine 632 with histidine.
Molecular consequence: missense variant. On other transcripts: non-coding transcript variant (1).
Genome position (GRCh38, 1-based): chr1:27,102,056, C>T on the plus strand (G>A on the coding strand, the complement: SLC9A1 is on the minus strand). VCF-style: chr1-27102056-C-T. GRCh37 (hg19) VCF-style: chr1-27428547-C-T.
Other names: short protein forms R632H.
Identifiers: ClinVar variation 2192601 (VCV002192601.3), dbSNP rs746382284, ClinGen allele CA710962.

ClinVar aggregate classification (germline): Uncertain significance (1 of 4 stars; one submission).

Allele frequency attached by ClinVar (database versions not stated): ExAC 0.00001; gnomAD exomes 0.00001; TOPMed 0.00001; gnomAD 0.00002.
gnomAD v4.1: 24 of 1,613,818 alleles (0.0015%); highest among the groups gnomAD compares: South Asian, 0.014%; no homozygotes.

Submission:

Labcorp Genetics (formerly Invitae), Labcorp
Classification: Uncertain significance. Last evaluated: 2025-08-04. Review status: criteria provided, single submitter. Criteria: Invitae Variant Classification Sherloc (09022015). Collection method: clinical testing. Allele origin: germline.
Comment: This sequence change replaces arginine, which is basic and polar, with histidine, which is basic and polar, at codon 632 of the SLC9A1 protein (p.Arg632His). This variant is present in population databases (rs746382284, gnomAD 0.006%). This variant has not been reported in the literature in individuals affected with SLC9A1-related conditions. ClinVar contains an entry for this variant (Variation ID: 2192601). An algorithm developed to predict the effect of missense changes on protein structure and function (PolyPhen-2) suggests that this variant is likely to be disruptive. In summary, the available evidence is currently insufficient to determine the role of this variant in disease. Therefore, it has been classified as a Variant of Uncertain Significance.